The following is an entry in ClinVar:

ClinVar aggregate classification (germline): Likely benign. Review status: criteria provided, multiple submitters, no conflicts (2 of 4 stars). 2 submissions from 2 submitters: Likely benign (2). Last evaluated 2018-10-11.

Conditions:
Desmin-related myofibrillar myopathy (MFM1). Also called: Desminopathy; Desmin related myopathy (former name); Desmin storage myopathy (former name); MYOFIBRILLAR MYOPATHY WITH ARRHYTHMOGENIC RIGHT VENTRICULAR CARDIOMYOPATHY; DESMIN-RELATED MYOPATHY WITH ARRHYTHMOGENIC RIGHT VENTRICULAR CARDIOMYOPATHY; Myofibrillar myopathy 1. Identifiers: Orphanet 363543, Orphanet 98909, MedGen C1832370, MONDO:0011076, OMIM 601419.

Submissions (2):

Labcorp Genetics (formerly Invitae), Labcorp
Classification: Likely benign for Desmin-related myofibrillar myopathy. Last evaluated: 2018-10-11. Review status: criteria provided, single submitter. Criteria: Invitae Variant Classification Sherloc (09022015). Collection method: clinical testing. Allele origin: germline.

GeneDx
Classification: Likely benign. Last evaluated: 2018-04-30. Review status: criteria provided, single submitter. Criteria: GeneDx Variant Classification (06012015). Collection method: clinical testing. Allele origin: germline. Affected: yes.
Comment: This variant is considered likely benign or benign based on one or more of the following criteria: it is a conservative change, it occurs at a poorly conserved position in the protein, it is predicted to be benign by multiple in silico algorithms, and/or has population frequency not consistent with disease.

NM_001927.4(DES):c.600G>A (p.Leu200=)

Gene: DES (desmin; plus strand). Cytogenetic location: 2q35.
Variant type: single nucleotide variant.
Coding change: c.600G>A on transcript NM_001927.4 (MANE Select); coding-DNA position 600, G replaced by A.
Protein change: p.Leu200=; no amino-acid change (leucine 200 retained).
Molecular consequence: synonymous variant.
Genome position (GRCh38, 1-based): chr2:219,420,116, G>A. VCF-style: chr2-219420116-G-A. GRCh37 (hg19) VCF-style: chr2-220284838-G-A.
Identifiers: ClinVar variation 682482 (VCV000682482.12), dbSNP rs1575014014, ClinGen allele CA431427541.
Genomic context (GRCh38, chr2:219,420,116, plus strand): 5'-TCACCCGCAACTGTCTGTCTTTCTGTCTGTCCCACCCAGGCTGCAGGAGGAGATTCAGTT[G>A]AAGGAAGAAGCAGAGAACAATTTGGCTGCCTTCCGAGCGGTGAGTGCCCTTCTTTTCCCC-3'
Protein context (NP_001918.3, residues 190-210): LKAKLQEEIQ[Leu200=]KEEAENNLAA